The following is an entry in ClinVar:

NM_001267550.2(TTN):c.64655_64659dup (p.Val21554fs)

Genes: TTN (titin; minus strand), TTN-AS1 (TTN antisense RNA 1; plus strand). Cytogenetic location: 2q31.2.
Variant type: Duplication.
Coding change: c.64655_64659dup on transcript NM_001267550.2 (MANE Select); coding-DNA positions 64655 to 64659, 5 bases duplicated (TCAAA; older notation c.64655_64659dupTCAAA).
Protein change: p.Val21554fs; shifts the reading frame from valine 21554.
Molecular consequence: frameshift variant.
Genome position (GRCh38, 1-based): chr2:178,585,085-178,585,089, TTTGA duplicated on the plus strand (TCAAA on the coding strand, the reverse complement: TTN is on the minus strand); duplicating any 5 consecutive bases within chr2:178,585,085-178,585,092 gives the same sequence; the c. name uses the placement nearest the transcript's 3' end. VCF-style (leftmost placement, unchanged base first): chr2-178585084-C-CTTTGA. GRCh37 (hg19) VCF-style: chr2-179449811-C-CTTTGA.
Other names: c.59732_59736dup, p.Val19913fs (NM_001256850.1); c.37460_37464dup, p.Val12489fs (NM_003319.4); c.56951_56955dup, p.Val18986fs (NM_133378.4); c.37835_37839dup, p.Val12614fs (NM_133432.3); c.38036_38040dup, p.Val12681fs (NM_133437.4); short protein forms V12489fs, V12614fs, V12681fs, V21554fs, V18986fs, V19913fs.
Identifiers: ClinVar variation 2949840 (VCV002949840.3), dbSNP rs2469171098, ClinGen allele CA2740096063.

ClinVar aggregate classification (germline): Likely pathogenic (1 of 4 stars; one submission).

Conditions:
Dilated cardiomyopathy 1G (CMD1G). Identifiers: Orphanet 154, MedGen C1858763, MONDO:0011400, OMIM 604145.
Autosomal recessive limb-girdle muscular dystrophy type 2J (LGMDR10). Also called: Limb-girdle muscular dystrophy, type 2J; MUSCULAR DYSTROPHY, LIMB-GIRDLE, AUTOSOMAL RECESSIVE 10. Identifiers: Orphanet 140922, MedGen C1837342, MONDO:0012127, OMIM 608807.

Submission:

Labcorp Genetics (formerly Invitae), Labcorp
Classification: Likely pathogenic for Dilated cardiomyopathy 1G; Autosomal recessive limb-girdle muscular dystrophy type 2J. Last evaluated: 2026-01-26. Review status: criteria provided, single submitter. Criteria: Invitae Variant Classification Sherloc (09022015). Collection method: clinical testing. Allele origin: germline.
Comment: This sequence change creates a premature translational stop signal (p.Val21554Serfs*4) in the TTN gene. While this is not anticipated to result in nonsense mediated decay, it is expected to create a truncated TTN protein. This variant is not present in population databases (gnomAD no frequency). This variant has not been reported in the literature in individuals affected with TTN-related conditions. ClinVar contains an entry for this variant (Variation ID: 2949840). This variant is located in the A band of TTN (PMID: 25589632). Truncating variants in this region are significantly overrepresented in patients affected with dilated cardiomyopathy (PMID: 25589632). Truncating variants in this region have also been reported in individuals affected with autosomal recessive centronuclear myopathy (PMID: 23975875). In summary, the currently available evidence indicates that the variant is pathogenic, but additional data are needed to prove that conclusively. Therefore, this variant has been classified as Likely Pathogenic.

Literature cited by the submitters: PubMed 25589632; PubMed 23975875.